The following is an entry in ClinVar:

NM_015346.4(ZFYVE26):c.3693C>A (p.Cys1231Ter)

Gene: ZFYVE26 (zinc finger FYVE-type containing 26; minus strand). Cytogenetic location: 14q24.1.
Variant type: single nucleotide variant.
Coding change: c.3693C>A on transcript NM_015346.4 (MANE Select); coding-DNA position 3693, C replaced by A.
Protein change: p.Cys1231Ter; replaces cysteine 1231 with a stop codon.
Molecular consequence: nonsense.
Genome position (GRCh38, 1-based): chr14:67,783,459, G>T on the plus strand (C>A on the coding strand, the complement: ZFYVE26 is on the minus strand). VCF-style: chr14-67783459-G-T. GRCh37 (hg19) VCF-style: chr14-68250176-G-T.
Other names: short protein forms C1231*.
Identifiers: ClinVar variation 1454199 (VCV001454199.6), dbSNP rs769672677, ClinGen allele CA262849611.

ClinVar aggregate classification (germline): Pathogenic (1 of 4 stars; one submission).

Conditions:
Spastic paraplegia. Identifiers: MedGen C0037772, HP:0001258.

Allele frequency attached by ClinVar (database versions not stated): gnomAD 0.00001; gnomAD exomes 0.00001.
gnomAD v4.1: 19 of 1,613,976 alleles (0.0012%); highest among the groups gnomAD compares: Non-Finnish European, 0.0015%; no homozygotes.

Submission:

Labcorp Genetics (formerly Invitae), Labcorp
Classification: Pathogenic for Spastic paraplegia. Last evaluated: 2025-07-14. Review status: criteria provided, single submitter. Criteria: Invitae Variant Classification Sherloc (09022015). Collection method: clinical testing. Allele origin: germline.
Comment: This sequence change creates a premature translational stop signal (p.Cys1231*) in the ZFYVE26 gene. It is expected to result in an absent or disrupted protein product. Loss-of-function variants in ZFYVE26 are known to be pathogenic (PMID: 18394578, 19805727). This variant is not present in population databases (gnomAD no frequency). This variant has not been reported in the literature in individuals affected with ZFYVE26-related conditions. ClinVar contains an entry for this variant (Variation ID: 1454199). For these reasons, this variant has been classified as Pathogenic.

Literature cited by the submitters: PubMed 18394578; PubMed 19805727.